The following is an entry in ClinVar:

NM_005391.5(PDK3):c.302A>G (p.Asp101Gly)

Gene: PDK3 (pyruvate dehydrogenase kinase 3; plus strand). Cytogenetic location: Xp22.11.
Variant type: single nucleotide variant.
Coding change: c.302A>G on transcript NM_005391.5 (MANE Select); coding-DNA position 302, A replaced by G.
Protein change: p.Asp101Gly; replaces aspartic acid 101 with glycine.
Molecular consequence: missense variant.
Genome position (GRCh38, 1-based): chrX:24,498,882, A>G. VCF-style: chrX-24498882-A-G. GRCh37 (hg19) VCF-style: chrX-24516999-A-G.
Other names: c.302A>G, p.Asp101Gly (NM_001142386.3); short protein forms D101G.
Identifiers: ClinVar variation 2730421 (VCV002730421.3), dbSNP rs1242976735, ClinGen allele CA412604568.

ClinVar aggregate classification (germline): Uncertain significance (1 of 4 stars; one submission).

Conditions:
Charcot-Marie-Tooth disease X-linked dominant 6. Also called: CHARCOT-MARIE-TOOTH NEUROPATHY, X-LINKED DOMINANT, 6. Identifiers: Orphanet 352675, MedGen C3806702, MONDO:0010479, OMIM 300905.

Allele frequency attached by ClinVar (database versions not stated): TOPMed 0.00001.

Submission:

Labcorp Genetics (formerly Invitae), Labcorp
Classification: Uncertain significance for Charcot-Marie-Tooth disease X-linked dominant 6. Last evaluated: 2024-03-02. Review status: criteria provided, single submitter. Criteria: Invitae Variant Classification Sherloc (09022015). Collection method: clinical testing. Allele origin: germline.
Comment: This sequence change replaces aspartic acid, which is acidic and polar, with glycine, which is neutral and non-polar, at codon 101 of the PDK3 protein (p.Asp101Gly). This variant is not present in population databases (gnomAD no frequency). This variant has not been reported in the literature in individuals affected with PDK3-related conditions. An algorithm developed to predict the effect of missense changes on protein structure and function (PolyPhen-2) suggests that this variant is likely to be tolerated. In summary, the available evidence is currently insufficient to determine the role of this variant in disease. Therefore, it has been classified as a Variant of Uncertain Significance.